The following is an entry in ClinVar:

ClinVar aggregate classification (germline): Uncertain significance (1 of 4 stars; one submission).

Conditions:
Intellectual developmental disorder, autosomal dominant 66. Also called: MENTAL RETARDATION, AUTOSOMAL DOMINANT 66. Identifiers: MedGen C5677000, MONDO:0030891, OMIM 619910.

Submission:

Juno Genomics, Hangzhou Juno Genomics, Inc
Classification: Uncertain significance for Intellectual developmental disorder, autosomal dominant 66. Review status: criteria provided, single submitter. Criteria: ACMG Guidelines, 2015. Collection method: clinical testing. Allele origin: germline.
Comment: Absent from controls (or at extremely low frequency if recessive) in Genome Aggregation Database.;Missense variant in a gene that has a low rate of benign missense variation.

NM_001366521.1(ATP2B1):c.274C>T (p.Pro92Ser)

Gene: ATP2B1 (ATPase plasma membrane Ca2+ transporting 1; minus strand). Cytogenetic location: 12q21.33.
Variant type: single nucleotide variant.
Coding change: c.274C>T on transcript NM_001366521.1 (MANE Select); coding-DNA position 274, C replaced by T.
Protein change: p.Pro92Ser; replaces proline 92 with serine.
Molecular consequence: missense variant. On other transcripts: non-coding transcript variant (3), intron variant (3).
Genome position (GRCh38, 1-based): chr12:89,642,290, G>A on the plus strand (C>T on the coding strand, the complement: ATP2B1 is on the minus strand). VCF-style: chr12-89642290-G-A. GRCh37 (hg19) VCF-style: chr12-90036067-G-A.
Other names: c.274C>T, p.Pro92Ser (NM_001001323.2, NM_001366520.1, NM_001366522.1 and 23 more transcripts); c.209-7039C>T (NM_001413053.1, NM_001366530.1); c.209-7387C>T (NM_001413057.1); short protein forms P92S.
Identifiers: ClinVar variation 5005203 (VCV005005203.2).